The following is an entry in ClinVar:

NC_000016.9:g.(?_78133671)_(78149061_?)del

Gene: WWOX (WW domain containing oxidoreductase; plus strand). Cytogenetic location: 16q23.1.
Variant type: Deletion.
Identifiers: ClinVar variation 1076468 (VCV001076468.2).

ClinVar aggregate classification (germline): Pathogenic (1 of 4 stars; one submission).

Conditions:
Developmental and epileptic encephalopathy, 1 (DEE1). Also called: INFANTILE SPASM SYNDROME, X-LINKED 1; X-linked infantile spasms; West's syndrome; Tonic spasms with clustering, arrest of psychomotor development and hypsarrhythmia on EEG; X-Linked Infantile Spasm Syndrome; OHTAHARA SYNDROME, X-LINKED. Identifiers: MedGen C3463992, MONDO:0010632, OMIM 308350. Disease mechanism: loss of function.
Autosomal recessive spinocerebellar ataxia 12. Also called: SPINOCEREBELLAR ATAXIA WITH MENTAL RETARDATION AND EPILEPSY. Identifiers: Orphanet 284282, MedGen C3280452, MONDO:0013687, OMIM 614322.

Submission:

Labcorp Genetics (formerly Invitae), Labcorp
Classification: Pathogenic for Developmental and epileptic encephalopathy, 1; Autosomal recessive spinocerebellar ataxia 12. Last evaluated: 2022-08-16. Review status: criteria provided, single submitter. Criteria: Invitae Variant Classification Sherloc (09022015). Collection method: clinical testing. Allele origin: germline.
Comment: This variant is a gross deletion of the genomic region encompassing exon(s) 1-4 of the WWOX gene, which includes the initiator codon. This deletion extends beyond the assayed region for this gene and therefore may encompass additional genes. It is expected to result in an absent or disrupted protein product. Loss-of-function variants in WWOX are known to be pathogenic (PMID: 24456803, 25411445). This variant has not been reported in the literature in individuals affected with WWOX-related conditions. For these reasons, this variant has been classified as Pathogenic.

Literature cited by the submitters: PubMed 24456803; PubMed 25411445.